The following is an entry in ClinVar:

ClinVar aggregate classification (germline): Uncertain significance. Review status: criteria provided, multiple submitters, no conflicts (2 of 4 stars). 2 submissions from 2 submitters: Uncertain significance (2). Last evaluated 2024-08-20.

Allele frequency attached by ClinVar (database versions not stated): gnomAD exomes 0.00003 and 0.00007; ExAC 0.00009; 1000 Genomes Project 0.00020; gnomAD 0.00029 and 0.00033; 1000 Genomes Project 30x 0.00031; ESP Exome Variant Server 0.00031; TOPMed 0.00034.

Submissions (2):

Ambry Genetics
Classification: Uncertain significance. Last evaluated: 2024-08-20. Review status: criteria provided, single submitter. Criteria: Ambry Variant Classification Scheme 2023. Collection method: clinical testing. Allele origin: germline.

Labcorp Genetics (formerly Invitae), Labcorp
Classification: Uncertain significance. Last evaluated: 2022-07-06. Review status: criteria provided, single submitter. Criteria: Invitae Variant Classification Sherloc (09022015). Collection method: clinical testing. Allele origin: germline.
Comment: This sequence change replaces arginine, which is basic and polar, with glutamine, which is neutral and polar, at codon 284 of the FCHO1 protein (p.Arg284Gln). This variant is present in population databases (rs145008034, gnomAD 0.1%). This variant has not been reported in the literature in individuals affected with FCHO1-related conditions. ClinVar contains an entry for this variant (Variation ID: 1393577). Algorithms developed to predict the effect of missense changes on protein structure and function are either unavailable or do not agree on the potential impact of this missense change (SIFT: "Tolerated"; PolyPhen-2: "Possibly Damaging"; Align-GVGD: "Class C0"). Algorithms developed to predict the effect of sequence changes on RNA splicing suggest that this variant may create or strengthen a splice site. In summary, the available evidence is currently insufficient to determine the role of this variant in disease. Therefore, it has been classified as a Variant of Uncertain Significance.

NM_015122.3(FCHO1):c.851G>A (p.Arg284Gln)

Gene: FCHO1 (FCH and mu domain containing endocytic adaptor 1; plus strand). Cytogenetic location: 19p13.11.
Variant type: single nucleotide variant.
Coding change: c.851G>A on transcript NM_015122.3 (MANE Select); coding-DNA position 851, G replaced by A.
Protein change: p.Arg284Gln; replaces arginine 284 with glutamine.
Molecular consequence: missense variant. On other transcripts: non-coding transcript variant (36).
Genome position (GRCh38, 1-based): chr19:17,774,409, G>A. VCF-style: chr19-17774409-G-A. GRCh37 (hg19) VCF-style: chr19-17885218-G-A.
Other names: c.851G>A, p.Arg284Gln (NM_001161357.2, NM_001161358.2, NM_001384370.1 and 25 more transcripts); c.701G>A, p.Arg234Gln (NM_001161359.2, NM_001384384.1, NM_001384385.1 and 3 more transcripts); c.812G>A, p.Arg271Gln (NM_001384388.1, NM_001384389.1, NM_001384405.1); c.776G>A, p.Arg259Gln (NM_001384390.1); c.806G>A, p.Arg269Gln (NM_001384403.1); c.851G>A (NM_001161357.1); short protein forms R259Q, R271Q, R234Q, R269Q, R284Q.
Identifiers: ClinVar variation 1393577 (VCV001393577.7), dbSNP rs145008034, ClinGen allele CA9300273.
Genomic context (GRCh38, chr19:17,774,409, plus strand): 5'-GAAAGGAGGCTCACAGTGCTCAGGTGCCCCCCAATCTATCCTCAGCGATGAAACGTTTGC[G>A]GGGAGCCAAGGCCTTTCGCCTTCCAGGACTAAGCCGGCGGGAGCGGGAGCCAGAGCCACC-3'
Protein context (NP_055937.1, residues 274-294): AALQEAMKRL[Arg284Gln]GAKAFRLPGL